The following is an entry in ClinVar:

ClinVar aggregate classification (germline): Uncertain significance (1 of 4 stars; one submission).

Conditions:
Hereditary cancer-predisposing syndrome. Also called: Tumor predisposition; Hereditary Cancer Syndrome; Neoplastic Syndromes, Hereditary; Hereditary neoplastic syndrome. Identifiers: Orphanet 140162, MedGen C0027672, MeSH D009386, MONDO:0015356.

gnomAD v4.1: 1 of 1,612,182 alleles (0.000062%); highest among the groups gnomAD compares: Non-Finnish European, 0.000085%; no homozygotes.

Submission:

Ambry Genetics
Classification: Uncertain significance for Hereditary cancer-predisposing syndrome. Last evaluated: 2024-01-18. Review status: criteria provided, single submitter. Criteria: Ambry Variant Classification Scheme 2023. Collection method: clinical testing. Allele origin: germline.
Comment: The p.S9I variant (also known as c.26G>T), located in coding exon 1 of the MSH6 gene, results from a G to T substitution at nucleotide position 26. The serine at codon 9 is replaced by isoleucine, an amino acid with dissimilar properties. This amino acid position is well conserved in available vertebrate species. In addition, the in silico prediction for this alteration is inconclusive. Since supporting evidence is limited at this time, the clinical significance of this alteration remains unclear.

NM_000179.3(MSH6):c.26G>T (p.Ser9Ile)

Gene: MSH6 (mutS homolog 6; plus strand). Cytogenetic location: 2p16.3.
Variant type: single nucleotide variant.
Coding change: c.26G>T on transcript NM_000179.3 (MANE Select); coding-DNA position 26, G replaced by T.
Protein change: p.Ser9Ile; replaces serine 9 with isoleucine.
Molecular consequence: missense variant. On other transcripts: 5 prime UTR variant (1).
Genome position (GRCh38, 1-based): chr2:47,783,259, G>T. VCF-style: chr2-47783259-G-T. GRCh37 (hg19) VCF-style: chr2-48010398-G-T.
Other names: c.26G>T, p.Ser9Ile (NM_001281492.2, NM_001406795.1, NM_001406796.1 and 9 more transcripts); c.-711G>T (NM_001281493.2, NM_001406811.1); c.-303G>T (NM_001406799.1); c.-30G>T (NM_001406804.1); c.-903G>T (NM_001406807.1); c.-558G>T (NM_001406812.1); c.-969G>T (NM_001406814.1); c.-514G>T (NM_001406816.1); short protein forms S9I.
Identifiers: ClinVar variation 1794912 (VCV001794912.2), dbSNP rs1572697767, ClinGen allele CA346734508.